The following is an entry in ClinVar:

NM_004370.6(COL12A1):c.1666G>T (p.Ala556Ser)

Gene: COL12A1 (collagen type XII alpha 1 chain; minus strand). Cytogenetic location: 6q13.
Variant type: single nucleotide variant.
Coding change: c.1666G>T on transcript NM_004370.6 (MANE Select); coding-DNA position 1666, G replaced by T.
Protein change: p.Ala556Ser; replaces alanine 556 with serine.
Molecular consequence: missense variant. On other transcripts: intron variant (1).
Genome position (GRCh38, 1-based): chr6:75,183,275, C>A on the plus strand (G>T on the coding strand, the complement: COL12A1 is on the minus strand). VCF-style: chr6-75183275-C-A. GRCh37 (hg19) VCF-style: chr6-75892991-C-A.
Other names: c.73+19445G>T (NM_080645.3); short protein forms A556S.
Identifiers: ClinVar variation 1318884 (VCV001318884.9), dbSNP rs776633189, ClinGen allele CA3894161.

ClinVar aggregate classification (germline): Uncertain significance. Review status: criteria provided, multiple submitters, no conflicts (2 of 4 stars). 3 submissions from 3 submitters: Uncertain significance (3). Last evaluated 2026-01-12.

Conditions:
Bethlem myopathy 2 (BTHLM2). Identifiers: Orphanet 536516, Orphanet 610, MedGen C4225313, MONDO:0034022, OMIM 616471.
Ullrich congenital muscular dystrophy 2 (UCMD2). Identifiers: Orphanet 75840, MedGen C4225314, MONDO:0014654, OMIM 616470.
Inborn genetic diseases. Identifiers: MedGen C0950123, MeSH D030342.

Allele frequency attached by ClinVar (database versions not stated): ExAC 0.00001; gnomAD 0.00003 and 0.00004; gnomAD exomes 0.00001 and below 0.00001; TOPMed 0.00003.
gnomAD v4.1: 11 of 1,614,088 alleles (0.00068%); highest among the groups gnomAD compares: Admixed American, 0.0083%; no homozygotes.

Submissions (3):

Labcorp Genetics (formerly Invitae), Labcorp
Classification: Uncertain significance for Bethlem myopathy 2; Ullrich congenital muscular dystrophy 2. Last evaluated: 2026-01-12. Review status: criteria provided, single submitter. Criteria: Invitae Variant Classification Sherloc (09022015). Collection method: clinical testing. Allele origin: germline.
Comment: This sequence change replaces alanine, which is neutral and non-polar, with serine, which is neutral and polar, at codon 556 of the COL12A1 protein (p.Ala556Ser). This variant is present in population databases (rs776633189, gnomAD 0.006%). This variant has not been reported in the literature in individuals affected with COL12A1-related conditions. ClinVar contains an entry for this variant (Variation ID: 1318884). Invitae Evidence Modeling of protein sequence and biophysical properties (such as structural, functional, and spatial information, amino acid conservation, physicochemical variation, residue mobility, and thermodynamic stability) indicates that this missense variant is not expected to disrupt COL12A1 protein function with a negative predictive value of 80%. In summary, the available evidence is currently insufficient to determine the role of this variant in disease. Therefore, it has been classified as a Variant of Uncertain Significance.

Ambry Genetics
Classification: Uncertain significance for Inborn genetic diseases. Last evaluated: 2024-10-07. Review status: criteria provided, single submitter. Criteria: Ambry Variant Classification Scheme 2023. Collection method: clinical testing. Allele origin: germline.

GeneDx
Classification: Uncertain significance. Last evaluated: 2023-07-18. Review status: criteria provided, single submitter. Criteria: GeneDx Variant Classification Process June 2021. Collection method: clinical testing. Allele origin: germline. Affected: yes.
Comment: Has not been previously published as pathogenic or benign to our knowledge; In silico analysis supports that this missense variant does not alter protein structure/function